The following is an entry in ClinVar:

ClinVar aggregate classification (germline): Uncertain significance (1 of 4 stars; one submission).

gnomAD v4.1: 3 of 1,200,858 alleles (0.00025%); highest among the groups gnomAD compares: East Asian, 0.0089%; no homozygotes.

Submission:

Labcorp Genetics (formerly Invitae), Labcorp
Classification: Uncertain significance. Last evaluated: 2019-12-31. Review status: criteria provided, single submitter. Criteria: Invitae Variant Classification Sherloc (09022015). Collection method: clinical testing. Allele origin: germline.
Comment: This sequence change replaces histidine with leucine at codon 333 of the FRMD7 protein (p.His333Leu). The histidine residue is weakly conserved and there is a moderate physicochemical difference between histidine and leucine. This variant is present in population databases (rs781757793, ExAC 0.03%), including at least one homozygous and/or hemizygous individual. This variant has not been reported in the literature in individuals with FRMD7-related conditions. Algorithms developed to predict the effect of missense changes on protein structure and function (SIFT, PolyPhen-2, Align-GVGD) all suggest that this variant is likely to be tolerated, but these predictions have not been confirmed by published functional studies and their clinical significance is uncertain. In summary, the available evidence is currently insufficient to determine the role of this variant in disease. Therefore, it has been classified as a Variant of Uncertain Significance.

NM_194277.3(FRMD7):c.998A>T (p.His333Leu)

Gene: FRMD7 (FERM domain containing 7; minus strand). Cytogenetic location: Xq26.2.
Variant type: single nucleotide variant.
Coding change: c.998A>T on transcript NM_194277.3 (MANE Select); coding-DNA position 998, A replaced by T.
Protein change: p.His333Leu; replaces histidine 333 with leucine.
Molecular consequence: missense variant.
Genome position (GRCh38, 1-based): chrX:132,080,058, T>A on the plus strand (A>T on the coding strand, the complement: FRMD7 is on the minus strand). VCF-style: chrX-132080058-T-A. GRCh37 (hg19) VCF-style: chrX-131214086-T-A.
Other names: c.953A>T, p.His318Leu (NM_001306193.2); short protein forms H333L, H318L.
Identifiers: ClinVar variation 843790 (VCV000843790.10), dbSNP rs781757793, ClinGen allele CA10518920.